The following is an entry in ClinVar:

NM_001561.6(TNFRSF9):c.413+2T>C

Gene: TNFRSF9 (TNF receptor superfamily member 9; minus strand). Cytogenetic location: 1p36.23.
Variant type: single nucleotide variant.
Coding change: c.413+2T>C on transcript NM_001561.6 (MANE Select); the canonical splice donor site of the intron after coding-DNA position 413, T replaced by C.
Molecular consequence: splice donor variant.
Genome position (GRCh38, 1-based): chr1:7,937,688, A>G on the plus strand (T>C on the coding strand, the complement: TNFRSF9 is on the minus strand). VCF-style: chr1-7937688-A-G. GRCh37 (hg19) VCF-style: chr1-7997748-A-G.
Identifiers: ClinVar variation 3012278 (VCV003012278.3), dbSNP rs1639840705, ClinGen allele CA338159087.

ClinVar aggregate classification (germline): Likely pathogenic (1 of 4 stars; one submission).

Allele frequency attached by ClinVar (database versions not stated): TOPMed 0.00001.

Submission:

Labcorp Genetics (formerly Invitae), Labcorp
Classification: Likely pathogenic. Last evaluated: 2023-07-16. Review status: criteria provided, single submitter. Criteria: Invitae Variant Classification Sherloc (09022015). Collection method: clinical testing. Allele origin: germline.
Comment: In summary, the currently available evidence indicates that the variant is pathogenic, but additional data are needed to prove that conclusively. Therefore, this variant has been classified as Likely Pathogenic. Algorithms developed to predict the effect of sequence changes on RNA splicing suggest that this variant may disrupt the consensus splice site. This variant has not been reported in the literature in individuals affected with TNFRSF9-related conditions. This variant is not present in population databases (gnomAD no frequency). This sequence change affects a donor splice site in intron 6 of the TNFRSF9 gene. It is expected to disrupt RNA splicing. Variants that disrupt the donor or acceptor splice site typically lead to a loss of protein function (PMID: 16199547), and loss-of-function variants in TNFRSF9 are known to be pathogenic (PMID: 30872117, 31501153).

Literature cited by the submitters: PubMed 16199547; PubMed 30872117; PubMed 31501153.